The following is an entry in ClinVar:

NM_000052.7(ATP7A):c.2030A>G (p.His677Arg)

Gene: ATP7A (ATPase copper transporting alpha; plus strand). Cytogenetic location: Xq21.1.
Variant type: single nucleotide variant.
Coding change: c.2030A>G on transcript NM_000052.7 (MANE Select); coding-DNA position 2030, A replaced by G.
Protein change: p.His677Arg; replaces histidine 677 with arginine.
Molecular consequence: missense variant.
Genome position (GRCh38, 1-based): chrX:78,011,532, A>G. VCF-style: chrX-78011532-A-G. GRCh37 (hg19) VCF-style: chrX-77267029-A-G.
Other names: c.2030A>G, p.His677Arg (NM_001282224.2); short protein forms H677R.
Identifiers: ClinVar variation 2926803 (VCV002926803.3), dbSNP rs2522350026, ClinGen allele CA413598257.

ClinVar aggregate classification (germline): Uncertain significance (1 of 4 stars; one submission).

Conditions:
Menkes kinky-hair syndrome (MNK). Also called: Copper transport disease; Menkes Disease; Classic Menkes Disease. Identifiers: Orphanet 565, MedGen C0022716, MONDO:0010651, OMIM 309400.
Cutis laxa, X-linked (OHS). Also called: EDS IX; Occipital horn syndrome. Identifiers: Orphanet 198, MedGen C0268353, MONDO:0010572, OMIM 304150.
X-linked distal spinal muscular atrophy type 3. Also called: ATP7A-Related Distal Motor Neuropathy; SPINAL MUSCULAR ATROPHY, DISTAL, X-LINKED RECESSIVE; NEURONOPATHY, DISTAL HEREDITARY MOTOR, X-LINKED; NEUROPATHY, DISTAL HEREDITARY MOTOR, X-LINKED. Identifiers: Orphanet 139557, MedGen C1845359, MONDO:0010338, OMIM 300489.

Submission:

Labcorp Genetics (formerly Invitae), Labcorp
Classification: Uncertain significance for X-linked distal spinal muscular atrophy type 3; Cutis laxa, X-linked; Menkes kinky-hair syndrome. Last evaluated: 2023-05-19. Review status: criteria provided, single submitter. Criteria: Invitae Variant Classification Sherloc (09022015). Collection method: clinical testing. Allele origin: germline.
Comment: This sequence change replaces histidine, which is basic and polar, with arginine, which is basic and polar, at codon 677 of the ATP7A protein (p.His677Arg). This variant is not present in population databases (gnomAD no frequency). This variant has not been reported in the literature in individuals affected with ATP7A-related conditions. Advanced modeling of protein sequence and biophysical properties (such as structural, functional, and spatial information, amino acid conservation, physicochemical variation, residue mobility, and thermodynamic stability) performed at Invitae indicates that this missense variant is not expected to disrupt ATP7A protein function. In summary, the available evidence is currently insufficient to determine the role of this variant in disease. Therefore, it has been classified as a Variant of Uncertain Significance.